The following is an entry in ClinVar:

NM_002227.4(JAK1):c.2476C>T (p.Arg826Cys)

Gene: JAK1 (Janus kinase 1; minus strand). Cytogenetic location: 1p31.3.
Variant type: single nucleotide variant.
Coding change: c.2476C>T on transcript NM_002227.4 (MANE Select); coding-DNA position 2476, C replaced by T.
Protein change: p.Arg826Cys; replaces arginine 826 with cysteine.
Molecular consequence: missense variant.
Genome position (GRCh38, 1-based): chr1:64,841,529, G>A on the plus strand (C>T on the coding strand, the complement: JAK1 is on the minus strand). VCF-style: chr1-64841529-G-A. GRCh37 (hg19) VCF-style: chr1-65307212-G-A.
Other names: c.2476C>T, p.Arg826Cys (NM_001320923.2, NM_001321852.2, NM_001321853.2 and 3 more transcripts); c.2473C>T, p.Arg825Cys (NM_001321857.2); short protein forms R826C, R825C.
Identifiers: ClinVar variation 1429052 (VCV001429052.8), dbSNP rs150021823, ClinGen allele CA892660.

ClinVar aggregate classification (germline): Uncertain significance (1 of 4 stars; one submission).

Allele frequency attached by ClinVar (database versions not stated): gnomAD exomes 0.00001 and 0.00002; ExAC 0.00002; gnomAD 0.00006 and 0.00007; TOPMed 0.00006; 1000 Genomes Project 0.00020; 1000 Genomes Project 30x 0.00031.
gnomAD v4.1: 22 of 1,614,090 alleles (0.0014%); highest among the groups gnomAD compares: African/African-American, 0.02%; no homozygotes.

Submission:

Labcorp Genetics (formerly Invitae), Labcorp
Classification: Uncertain significance. Last evaluated: 2025-06-05. Review status: criteria provided, single submitter. Criteria: Invitae Variant Classification Sherloc (09022015). Collection method: clinical testing. Allele origin: germline.
Comment: This sequence change replaces arginine, which is basic and polar, with cysteine, which is neutral and slightly polar, at codon 826 of the JAK1 protein (p.Arg826Cys). This variant is present in population databases (rs150021823, gnomAD 0.02%). This variant has not been reported in the literature in individuals affected with JAK1-related conditions. ClinVar contains an entry for this variant (Variation ID: 1429052). Invitae Evidence Modeling of protein sequence and biophysical properties (such as structural, functional, and spatial information, amino acid conservation, physicochemical variation, residue mobility, and thermodynamic stability) indicates that this missense variant is not expected to disrupt JAK1 protein function with a negative predictive value of 80%. In summary, the available evidence is currently insufficient to determine the role of this variant in disease. Therefore, it has been classified as a Variant of Uncertain Significance.